The following is an entry in ClinVar:

ClinVar aggregate classification (germline): Conflicting classifications of pathogenicity. Review status: criteria provided, conflicting classifications (1 of 4 stars). 4 submissions from 4 submitters: Uncertain significance (1); Likely benign (2). 1 of the submissions does not count toward it. Last evaluated 2025-12-26.

Conditions:
KIF23-related disorder. Also called: KIF23-related condition.

Allele frequency attached by ClinVar (database versions not stated): gnomAD exomes 0.00018; 1000 Genomes Project 30x 0.00125; 1000 Genomes Project 0.00160; gnomAD 0.00194 and 0.00211; ESP Exome Variant Server 0.00200; TOPMed 0.00214.
gnomAD v4.1: 573 of 1,613,812 alleles (0.036%); highest among the groups gnomAD compares: African/African-American, 0.7%; 2 homozygotes.

Submissions (4):

Labcorp Genetics (formerly Invitae), Labcorp
Classification: Likely benign. Last evaluated: 2025-12-26. Review status: criteria provided, single submitter. Criteria: Invitae Variant Classification Sherloc (09022015). Collection method: clinical testing. Allele origin: germline.

Mayo Clinic Laboratories, Mayo Clinic
Classification: Uncertain significance. Last evaluated: 2025-11-10. Review status: criteria provided, single submitter. Criteria: ACMG Guidelines, 2015. Collection method: clinical testing. Allele origin: germline. Observed: 7 variant alleles.
Comment: BS2

Blueprint Genetics
Classification: Likely benign. Last evaluated: 2024-10-22. Review status: criteria provided, single submitter. Criteria: ACMG Guidelines, 2015. Collection method: clinical testing. Allele origin: germline.

PreventionGenetics, part of Exact Sciences
Classification: Likely benign for KIF23-related condition. Last evaluated: 2019-06-05. Review status: no assertion criteria provided. Collection method: clinical testing. Allele origin: germline. Not counted in ClinVar's aggregate classification.
Comment: This variant is classified as likely benign based on ACMG/AMP sequence variant interpretation guidelines (Richards et al. 2015 PMID: 25741868, with internal and published modifications).

NM_001367805.3(KIF23):c.274G>C (p.Val92Leu)

Gene: KIF23 (kinesin family member 23; plus strand). Cytogenetic location: 15q23.
Variant type: single nucleotide variant.
Coding change: c.274G>C on transcript NM_001367805.3 (MANE Select); coding-DNA position 274, G replaced by C.
Protein change: p.Val92Leu; replaces valine 92 with leucine.
Molecular consequence: missense variant. On other transcripts: non-coding transcript variant (2).
Genome position (GRCh38, 1-based): chr15:69,421,710, G>C. VCF-style: chr15-69421710-G-C. GRCh37 (hg19) VCF-style: chr15-69714049-G-C.
Other names: p.Val92Leu; c.81G>C, p.Leu27Phe (NM_001281301.2); c.274G>C, p.Val92Leu (NM_001367804.2, NM_004856.7, NM_138555.4); short protein forms L27F, V92L.
Identifiers: ClinVar variation 728886 (VCV000728886.16), dbSNP rs137922672, ClinGen allele CA7634857.